The following is an entry in ClinVar:

ClinVar aggregate classification (germline): Uncertain significance (1 of 4 stars; one submission).

Conditions:
Inborn genetic diseases. Identifiers: MedGen C0950123, MeSH D030342.

Submission:

Ambry Genetics
Classification: Uncertain significance for Inborn genetic diseases. Last evaluated: 2025-01-18. Review status: criteria provided, single submitter. Criteria: Ambry Variant Classification Scheme 2023. Collection method: clinical testing. Allele origin: germline.
Comment: The p.Y39C variant (also known as c.116A>G), located in coding exon 2 of the CEP57 gene, results from an A to G substitution at nucleotide position 116. The tyrosine at codon 39 is replaced by cysteine, an amino acid with highly dissimilar properties. This amino acid position is conserved. In addition, the in silico prediction for this alteration is inconclusive. Based on the available evidence, the clinical significance of this variant remains unclear.

NM_014679.5(CEP57):c.116A>G (p.Tyr39Cys)

Gene: CEP57 (centrosomal protein 57; plus strand). Cytogenetic location: 11q21.
Variant type: single nucleotide variant.
Coding change: c.116A>G on transcript NM_014679.5 (MANE Select); coding-DNA position 116, A replaced by G.
Protein change: p.Tyr39Cys; replaces tyrosine 39 with cysteine.
Molecular consequence: missense variant.
Genome position (GRCh38, 1-based): chr11:95,799,302, A>G. VCF-style: chr11-95799302-A-G. GRCh37 (hg19) VCF-style: chr11-95532466-A-G.
Other names: c.89A>G, p.Tyr30Cys (NM_001243776.2); c.116A>G, p.Tyr39Cys (NM_001243777.2); c.35A>G, p.Tyr12Cys (NM_001363604.2); short protein forms Y39C, Y30C, Y12C.
Identifiers: ClinVar variation 3831969 (VCV003831969.1).